The following is an entry in ClinVar:

NM_001042492.3(NF1):c.3650A>T (p.Asp1217Val)

Gene: NF1 (neurofibromin 1; plus strand). Cytogenetic location: 17q11.2.
Variant type: single nucleotide variant.
Coding change: c.3650A>T on transcript NM_001042492.3 (MANE Select); coding-DNA position 3650, A replaced by T.
Protein change: p.Asp1217Val; replaces aspartic acid 1217 with valine.
Molecular consequence: missense variant.
Genome position (GRCh38, 1-based): chr17:31,233,155, A>T. VCF-style: chr17-31233155-A-T. GRCh37 (hg19) VCF-style: chr17-29560173-A-T.
Other names: c.3650A>T, p.Asp1217Val (NM_000267.4); short protein forms D1217V.
Identifiers: ClinVar variation 2113725 (VCV002113725.4), dbSNP rs2151435688, ClinGen allele CA398990464.

ClinVar aggregate classification (germline): Likely pathogenic (1 of 4 stars; one submission).

Conditions:
Neurofibromatosis, type 1 (NF1). Also called: NEUROFIBROMATOSIS, TYPE I, SOMATIC; Neurofibromatosis, type I; Peripheral type neurofibromatosis; VON RECKLINGHAUSEN DISEASE. Identifiers: Orphanet 636, MedGen C0027831, MONDO:0018975, OMIM 162200. Disease mechanism: loss of function.

Submission:

Labcorp Genetics (formerly Invitae), Labcorp
Classification: Likely pathogenic for Neurofibromatosis, type 1. Last evaluated: 2022-03-18. Review status: criteria provided, single submitter. Criteria: Invitae Variant Classification Sherloc (09022015). Collection method: clinical testing. Allele origin: germline.
Comment: Advanced modeling of protein sequence and biophysical properties (such as structural, functional, and spatial information, amino acid conservation, physicochemical variation, residue mobility, and thermodynamic stability) performed at Invitae indicates that this missense variant is expected to disrupt NF1 protein function. This variant has not been reported in the literature in individuals affected with NF1-related conditions. This variant is not present in population databases (gnomAD no frequency). This sequence change replaces aspartic acid, which is acidic and polar, with valine, which is neutral and non-polar, at codon 1217 of the NF1 protein (p.Asp1217Val). This variant disrupts the p.Asp1217 amino acid residue in NF1. Other variant(s) that disrupt this residue have been determined to be pathogenic (PMID: 27322474; Invitae). This suggests that this residue is clinically significant, and that variants that disrupt this residue are likely to be disease-causing. In summary, the currently available evidence indicates that the variant is pathogenic, but additional data are needed to prove that conclusively. Therefore, this variant has been classified as Likely Pathogenic.

Literature cited by the submitters: PubMed 27322474.